The following is an entry in ClinVar:

NM_006361.6(HOXB13):c.714C>A (p.Asn238Lys)

Gene: HOXB13 (homeobox B13; minus strand). Cytogenetic location: 17q21.32.
Variant type: single nucleotide variant.
Coding change: c.714C>A on transcript NM_006361.6 (MANE Select); coding-DNA position 714, C replaced by A.
Protein change: p.Asn238Lys; replaces asparagine 238 with lysine.
Molecular consequence: missense variant.
Genome position (GRCh38, 1-based): chr17:48,726,931, G>T on the plus strand (C>A on the coding strand, the complement: HOXB13 is on the minus strand). VCF-style: chr17-48726931-G-T. GRCh37 (hg19) VCF-style: chr17-46804293-G-T.
Other names: short protein forms N238K.
Identifiers: ClinVar variation 3225545 (VCV003225545.1), dbSNP rs2509513077, ClinGen allele CA400106387.
Genomic context (GRCh38, chr17:48,726,931, plus strand): 5'-GCGCTCCGAGAGGCTGGTGGCTGCCGAGATCTTGCGCCTCTTGTCCTTGGTGATGAACTT[G>T]TTAGCCGCATACTCCCGCTCCAGCTCCCGCAACTGCCCCTTGCTGTACGGAATGCGTTTC-3'
Protein context (NP_006352.2, residues 228-248): LRELEREYAA[Asn238Lys]KFITKDKRRK

ClinVar aggregate classification (germline): Uncertain significance (1 of 4 stars; one submission).

Conditions:
Hereditary cancer-predisposing syndrome. Also called: Neoplastic Syndromes, Hereditary; Tumor predisposition; Hereditary neoplastic syndrome; Hereditary Cancer Syndrome. Identifiers: Orphanet 140162, MedGen C0027672, MeSH D009386, MONDO:0015356.

gnomAD v4.1: 1 of 1,613,962 alleles (0.000062%); highest among the groups gnomAD compares: Middle Eastern, 0.016%; no homozygotes.

Submission:

Ambry Genetics
Classification: Uncertain significance for Hereditary cancer-predisposing syndrome. Last evaluated: 2023-09-25. Review status: criteria provided, single submitter. Criteria: Ambry Variant Classification Scheme 2023. Collection method: clinical testing. Allele origin: germline.
Comment: The p.N238K variant (also known as c.714C>A), located in coding exon 2 of the HOXB13 gene, results from a C to A substitution at nucleotide position 714. The asparagine at codon 238 is replaced by lysine, an amino acid with similar properties. This amino acid position is conserved. In addition, the in silico prediction for this alteration is inconclusive. Since supporting evidence is limited at this time, the clinical significance of this alteration remains unclear.